The following is an entry in ClinVar:

ClinVar aggregate classification (germline): Uncertain significance (1 of 4 stars; one submission).

Submission:

GeneDx
Classification: Uncertain significance. Last evaluated: 2024-09-23. Review status: criteria provided, single submitter. Criteria: GeneDx Variant Classification Process June 2021. Collection method: clinical testing. Allele origin: germline. Affected: yes.
Comment: Not observed at significant frequency in large population cohorts (gnomAD); In silico analysis supports that this missense variant has a deleterious effect on protein structure/function; Has not been previously published as pathogenic or benign to our knowledge

NM_000878.5(IL2RB):c.836A>T (p.Lys279Met)

Gene: IL2RB (interleukin 2 receptor subunit beta; minus strand). Cytogenetic location: 22q12.3.
Variant type: single nucleotide variant.
Coding change: c.836A>T on transcript NM_000878.5 (MANE Select); coding-DNA position 836, A replaced by T.
Protein change: p.Lys279Met; replaces lysine 279 with methionine.
Molecular consequence: missense variant.
Genome position (GRCh38, 1-based): chr22:37,132,451, T>A on the plus strand (A>T on the coding strand, the complement: IL2RB is on the minus strand). VCF-style: chr22-37132451-T-A. GRCh37 (hg19) VCF-style: chr22-37528491-T-A.
Other names: c.836A>T, p.Lys279Met (NM_001346222.1, NM_001346223.2); short protein forms K279M.
Identifiers: ClinVar variation 3774143 (VCV003774143.1).